The following is an entry in ClinVar:

NM_002472.3(MYH8):c.2615A>G (p.Lys872Arg)

Genes: MYH8 (myosin heavy chain 8; minus strand), MYHAS (myosin heavy chain gene cluster antisense RNA; plus strand). Cytogenetic location: 17p13.1.
Variant type: single nucleotide variant.
Coding change: c.2615A>G on transcript NM_002472.3 (MANE Select); coding-DNA position 2615, A replaced by G.
Protein change: p.Lys872Arg; replaces lysine 872 with arginine.
Molecular consequence: missense variant.
Genome position (GRCh38, 1-based): chr17:10,404,403, T>C on the plus strand (A>G on the coding strand, the complement: MYH8 is on the minus strand). VCF-style: chr17-10404403-T-C. GRCh37 (hg19) VCF-style: chr17-10307720-T-C.
Other names: short protein forms K872R.
Identifiers: ClinVar variation 4883398 (VCV004883398.2).

ClinVar aggregate classification (germline): Uncertain significance (1 of 4 stars; one submission).

Submission:

Dasa
Classification: Uncertain significance. Last evaluated: 2025-09-18. Review status: criteria provided, single submitter. Criteria: DASA Assertion Criteria. Collection method: clinical testing. Allele origin: germline.
Comment: NM_002472.3(MYH8):c.2615A>G (p.Lys872Arg) is a missense variant that results in the substitution of lysine with arginine. This variant is absent from population databases. The currently available literature and clinical evidence are not sufficient to establish a definitive association between this variant and the reported condition. Therefore, this variant is classified as a variant of uncertain significance.